The following is an entry in ClinVar:

NM_006662.3(SRCAP):c.8014A>T (p.Arg2672Trp)

Gene: SRCAP (Snf2 related CREBBP activator protein; plus strand). Cytogenetic location: 16p11.2.
Variant type: single nucleotide variant.
Coding change: c.8014A>T on transcript NM_006662.3 (MANE Select); coding-DNA position 8014, A replaced by T.
Protein change: p.Arg2672Trp; replaces arginine 2672 with tryptophan.
Molecular consequence: missense variant.
Genome position (GRCh38, 1-based): chr16:30,738,054, A>T. VCF-style: chr16-30738054-A-T. GRCh37 (hg19) VCF-style: chr16-30749375-A-T.
Other names: short protein forms R2672W.
Identifiers: ClinVar variation 4689427 (VCV004689427.1).
Genomic context (GRCh38, chr16:30,738,054, plus strand): 5'-CTGGAGCTCCCACCCTCAGCAGCATCTGATGAGCCACTTCAGGAGCCACTGGAGGCTGAC[A>T]GGACCTCGGAAGAGCTGACAGAGGCCAAGACCCCAACCTCCAGCCCAGAGAAGCCACAGG-3'
Protein context (NP_006653.2, residues 2662-2682): EPLQEPLEAD[Arg2672Trp]TSEELTEAKT

ClinVar aggregate classification (germline): Uncertain significance (1 of 4 stars; one submission).

Submission:

Women's Health and Genetics/Laboratory Corporation of America, LabCorp
Classification: Uncertain significance. Last evaluated: 2026-01-27. Review status: criteria provided, single submitter. Criteria: LabCorp Variant Classification Summary - May 2015. Collection method: clinical testing. Allele origin: germline.
Comment: Variant summary: SRCAP c.8014A>T (p.Arg2672Trp) results in a non-conservative amino acid change in the encoded protein sequence. Algorithms developed to predict the effect of missense changes on protein structure and function are either unavailable or do not agree on the potential impact of this missense change. The variant was absent in 251280 control chromosomes. The available data on variant occurrences in the general population are insufficient to allow any conclusion about variant significance. To our knowledge, no occurrence of c.8014A>T in individuals affected with SRCAP-related conditions and no experimental evidence demonstrating its impact on protein function have been reported. No submitters have cited clinical-significance assessments for this variant to ClinVar. Based on the evidence outlined above, the variant was classified as uncertain significance.